The following is an entry in ClinVar:

ClinVar aggregate classification (germline): Uncertain significance (0 of 4 stars; one submission).

Conditions:
RYR1-related disorder. Also called: RYR1-related condition; RYR1-related disorders. Identifiers: MedGen CN239331.

Submission:

PreventionGenetics, part of Exact Sciences
Classification: Uncertain significance for RYR1-related condition. Last evaluated: 2024-05-31. Review status: no assertion criteria provided. Collection method: clinical testing. Allele origin: germline.
Comment: The RYR1 c.5622_5633dup12 variant is predicted to result in an in-frame duplication (p.Glu1875_Glu1878dup). To our knowledge, this variant has not been reported in the literature or in a large population database, indicating this variant is rare. At this time, the clinical significance of this variant is uncertain due to the absence of conclusive functional and genetic evidence.

NM_000540.3(RYR1):c.5622_5633dup (p.Glu1878_Asp1879insGluGluGluGlu)

Gene: RYR1 (ryanodine receptor 1; plus strand). Cytogenetic location: 19q13.2.
Variant type: Duplication.
Coding change: c.5622_5633dup on transcript NM_000540.3 (MANE Select); coding-DNA positions 5622 to 5633, 12 bases duplicated (AGAAGAGGAGGA).
Protein change: p.Glu1878_Asp1879insGluGluGluGlu.
Molecular consequence: inframe insertion. On other transcripts: inframe indel (1).
Genome position (GRCh38, 1-based): chr19:38,489,251-38,489,262, AGAAGAGGAGGA duplicated; duplicating any 12 consecutive bases within chr19:38,489,246-38,489,262 gives the same sequence; the c. name uses the placement nearest the transcript's 3' end. VCF-style (leftmost placement, unchanged base first): chr19-38489245-T-TGAGGAAGAAGAG. GRCh37 (hg19) VCF-style: chr19-38979885-T-TGAGGAAGAAGAG.
Other names: c.5622_5633dup, p.Glu1878_Asp1879insGluGluGluGlu (NM_001042723.2); c.5622_5633dup12 (NM_000540.2).
Identifiers: ClinVar variation 2633695 (VCV002633695.2), dbSNP rs2514245550, ClinGen allele CA2695198196.
Genomic context (GRCh38, chr19:38,489,245, plus strand): 5'-CATCTTTGGCGATGAGGATGTGAAACAGATCTTGAAGATGATTGAGCCTGAGGTCTTCAC[T>TGAGGAAGAAGAG]GAGGAAGAAGAGGAGGAGGACGAGGAGGAAGAGGGTGAAGAGGAAGATGAGGAGGAGAAG-3'